The following is an entry in ClinVar:

ClinVar aggregate classification (germline): Conflicting classifications of pathogenicity. Review status: criteria provided, conflicting classifications (1 of 4 stars). 4 submissions from 4 submitters: Likely pathogenic (3); Uncertain significance (1). Last evaluated 2025-12-25.

Conditions:
CHD7-related CHARGE syndrome. Identifiers: MedGen CN380413, MONDO:1010178, OMIM 214800.
CHARGE syndrome (CHARGE). Also called: CHARGE ASSOCIATION--COLOBOMA, HEART ANOMALY, CHOANAL ATRESIA, RETARDATION, GENITAL AND EAR ANOMALIES; Coloboma, heart anomaly, choanal atresia, retardation, genital and ear anomalies; CHARGE association; Hall-Hittner syndrome; Hittner Hirsch Kreh syndrome. Identifiers: Orphanet 138, MedGen C0265354, MONDO:0008965.

Submissions (4):

Variantyx, Inc.
Classification: Likely pathogenic for CHD7-related CHARGE syndrome. Last evaluated: 2025-12-25. Review status: criteria provided, single submitter. Criteria: Variantyx Assertion Criteria 2022. Collection method: clinical testing. Allele origin: germline. Inheritance: Autosomal recessive inheritance. Affected: yes.
Comment: This is a nonsynonymous variant in the CHD7 gene (OMIM: 608892). Pathogenic variants in this gene have been associated with autosomal dominant CHARGE syndrome. Multiple computational algorithms predict a deleterious effect for this variant (REVEL score: 0.666) (PP3). This variant has been reported in at least 3 unrelated affected individuals (PMID: 16155193, 18073582, 35015700) (PS4_Moderate) and is absent from control populations (PM2). Based on the current evidence, this variant is classified as likely pathogenic for autosomal dominant CHARGE syndrome.

Molecular Genetics Laboratory, Motol Hospital
Classification: Likely pathogenic for CHD7-related CHARGE syndrome. Last evaluated: 2024-02-16. Review status: criteria provided, single submitter. Criteria: ACMG Guidelines, 2015. Collection method: clinical testing. Allele origin: germline. Affected: yes. Observed: 1 variant allele.
Comment: Rare loss-of-function variants in the CHD7 gene are associated with autosomal dominant CHARGE syndrome (MIM:214800). Rare variant not present in the non-Finnish European poulation (gnomAD v4.1.0). Present in ClinVar (VCV000381566.8) with conflicting classification of pathogenicity. Based on the internal laboratory and public database records and genotype-phenotype correlation, the variant is classified as likely pathogenic.

Labcorp Genetics (formerly Invitae), Labcorp
Classification: Uncertain significance for CHARGE syndrome. Last evaluated: 2021-04-10. Review status: criteria provided, single submitter. Criteria: Invitae Variant Classification Sherloc (09022015). Collection method: clinical testing. Allele origin: germline.
Comment: In summary, the available evidence is currently insufficient to determine the role of this variant in disease. Therefore, it has been classified as a Variant of Uncertain Significance. Algorithms developed to predict the effect of sequence changes on RNA splicing suggest that this variant may create or strengthen a splice site, but this prediction has not been confirmed by published transcriptional studies. This variant has been observed in individual(s) with clinical features of CHARGE syndrome (PMID: 21196067, 16155193). ClinVar contains an entry for this variant (Variation ID: 381566). Advanced modeling of protein sequence and biophysical properties (such as structural, functional, and spatial information, amino acid conservation, physicochemical variation, residue mobility, and thermodynamic stability) performed at Invitae indicates that this missense variant is not expected to disrupt CHD7 protein function. This variant is not present in population databases (ExAC no frequency). This sequence change replaces aspartic acid with glycine at codon 1596 of the CHD7 protein (p.Asp1596Gly). The aspartic acid residue is highly conserved and there is a moderate physicochemical difference between aspartic acid and glycine.

GeneDx
Classification: Likely pathogenic. Last evaluated: 2016-11-09. Review status: criteria provided, single submitter. Criteria: GeneDx Variant Classification (06012015). Collection method: clinical testing. Allele origin: germline. Affected: yes.
Comment: The D1596G variant in the CHD7 gene has been reported previously in the heterozygous state in multiple unrelated individuals with CHARGE syndrome (Jongmans et al., 2006; Vuorela et al., 2007; de Arriba Munoz et al., 2011; Beate et al., 2012). The D1596G variant was not observed in approximately 6000 individuals of European and African American ancestry in the NHLBI Exome Sequencing Project, indicating it is not a common benign variant in these populations. The D1596G variant is a non-conservative amino acid substitution, which is likely to impact secondary protein structure as these residues differ in polarity, charge, size and/or other properties, and occurs at a position that is conserved across species. As an alternate mechanism, multiple in silico algorithms predict that c.4787 A>G (aka D1596G) might create a cryptic donor site in intron 21 which may supplant the natural donor site. Functional studies in zebrafish suggest that D1596G is a hypomorphic allele capable of rescuing the CHD7-morpholino phenotype (Balasubramanian et al., 2014). Therefore, we interpret D1596G as a likely pathogenic variant.

Literature cited by the submitters: PubMed 16155193 (cited by Variantyx, Inc. and Labcorp Genetics (formerly Invitae), Labcorp); PubMed 18073582 (cited by Variantyx, Inc.); PubMed 35015700 (cited by Variantyx, Inc.); PubMed 20884005 (cited by Variantyx, Inc.); PubMed 21196067 (cited by Labcorp Genetics (formerly Invitae), Labcorp).

NM_017780.4(CHD7):c.4787A>G (p.Asp1596Gly)

Gene: CHD7 (chromodomain helicase DNA binding protein 7; plus strand). Cytogenetic location: 8q12.2.
Variant type: single nucleotide variant.
Coding change: c.4787A>G on transcript NM_017780.4 (MANE Select); coding-DNA position 4787, A replaced by G.
Protein change: p.Asp1596Gly; replaces aspartic acid 1596 with glycine.
Molecular consequence: missense variant. On other transcripts: intron variant (1).
Genome position (GRCh38, 1-based): chr8:60,841,989, A>G. VCF-style: chr8-60841989-A-G. GRCh37 (hg19) VCF-style: chr8-61754548-A-G.
Other names: c.4787A>G (LRG_176t1); c.1717-20240A>G (NM_001316690.1); short protein forms D1596G.
Identifiers: ClinVar variation 381566 (VCV000381566.9), dbSNP rs1057521078, ClinGen allele CA16605404.